The following is an entry in ClinVar:

ClinVar aggregate classification (germline): Pathogenic (1 of 4 stars; one submission).

Conditions:
Neurofibromatosis, type 1 (NF1). Also called: Peripheral type neurofibromatosis; VON RECKLINGHAUSEN DISEASE; NEUROFIBROMATOSIS, TYPE I, SOMATIC; Neurofibromatosis, type I. Identifiers: Orphanet 636, MedGen C0027831, MONDO:0018975, OMIM 162200. Disease mechanism: loss of function.

Submission:

Labcorp Genetics (formerly Invitae), Labcorp
Classification: Pathogenic for Neurofibromatosis, type 1. Last evaluated: 2024-08-20. Review status: criteria provided, single submitter. Criteria: Invitae Variant Classification Sherloc (09022015). Collection method: clinical testing. Allele origin: germline.
Comment: This sequence change creates a premature translational stop signal (p.His4Argfs*21) in the NF1 gene. It is expected to result in an absent or disrupted protein product. Loss-of-function variants in NF1 are known to be pathogenic (PMID: 10712197, 23913538). This variant is not present in population databases (gnomAD no frequency). This variant has not been reported in the literature in individuals affected with NF1-related conditions. For these reasons, this variant has been classified as Pathogenic.

Literature cited by the submitters: PubMed 10712197; PubMed 23913538.

NM_001042492.3(NF1):c.9_10dup (p.His4fs)

Genes: MIR4733HG (MIR4733 host gene; minus strand), NF1 (neurofibromin 1; plus strand), LOC111811965 (NF1 (neurofibromin 1) promoter region; plus strand). Cytogenetic location: 17q11.2.
Variant type: Microsatellite.
Coding change: c.9_10dup on transcript NM_001042492.3 (MANE Select); coding-DNA positions 9 to 10, 2 bases duplicated (GC; older notation c.9_10dupGC).
Protein change: p.His4fs; shifts the reading frame from histidine 4.
Molecular consequence: frameshift variant. On other transcripts: non-coding transcript variant (1).
Genome position (GRCh38, 1-based): chr17:31,095,318-31,095,319, GC duplicated; duplicating any 2 consecutive bases within chr17:31,095,315-31,095,319 gives the same sequence; the c. name uses the placement nearest the transcript's 3' end. VCF-style (leftmost placement, unchanged base first): chr17-31095314-C-CCG. GRCh37 (hg19) VCF-style: chr17-29422332-C-CCG.
Other names: c.7_8GC[3], p.His4Argfs (NM_000267.4); c.9_10dup, p.His4fs (NM_001128147.3); short protein forms H4fs.
Identifiers: ClinVar variation 3662983 (VCV003662983.2).